The following is an entry in ClinVar:

ClinVar aggregate classification (germline): Likely benign (1 of 4 stars; one submission).

Conditions:
TIAM1-related disorder. Also called: TIAM1-related condition.

gnomAD v4.1: 401 of 1,614,096 alleles (0.025%); highest among the groups gnomAD compares: Non-Finnish European, 0.032%; 1 homozygote.

Submission:

PreventionGenetics, part of Exact Sciences
Classification: Likely benign for TIAM1-related condition. Last evaluated: 2026-07-10. Review status: criteria provided, single submitter. Criteria: ACMG Guidelines, 2015. Collection method: clinical testing. Allele origin: germline.
Comment: This variant is classified as likely benign based on ACMG/AMP sequence variant interpretation guidelines (Richards et al. 2015 PMID: 25741868, with internal and published modifications).

NM_001353694.2(TIAM1):c.2352C>T (p.Gly784=)

Gene: TIAM1 (TIAM Rac1 associated GEF 1; minus strand). Cytogenetic location: 21q22.11.
Variant type: single nucleotide variant.
Coding change: c.2352C>T on transcript NM_001353694.2 (MANE Select); coding-DNA position 2352, C replaced by T.
Protein change: p.Gly784=; no amino-acid change (glycine 784 retained).
Molecular consequence: synonymous variant.
Genome position (GRCh38, 1-based): chr21:31,210,081, G>A on the plus strand (C>T on the coding strand, the complement: TIAM1 is on the minus strand). VCF-style: chr21-31210081-G-A. GRCh37 (hg19) VCF-style: chr21-32582397-G-A.
Other names: c.2352C>T, p.Gly784= (NM_001353686.2, NM_001353688.1, NM_001353689.1 and 5 more transcripts); c.2277C>T, p.Gly759= (NM_001353687.2).
Identifiers: ClinVar variation 4980580 (VCV004980580.1).